The following is an entry in ClinVar:

ClinVar aggregate classification (germline): Benign. Review status: criteria provided, single submitter (1 of 4 stars). 2 submissions from 2 submitters: Benign (1). 1 of the submissions does not count toward it. Last evaluated 2019-12-31.

Conditions:
ITGB6-related disorder. Also called: ITGB6-related condition.

Allele frequency attached by ClinVar (database versions not stated): gnomAD 0.00009; ESP Exome Variant Server 0.00015; 1000 Genomes Project 30x 0.00016; gnomAD exomes 0.00019 and 0.00050; TOPMed 0.00019; 1000 Genomes Project 0.00020; ExAC 0.00048.
gnomAD v4.1: 283 of 1,609,990 alleles (0.018%); highest among the groups gnomAD compares: Admixed American, 0.19%; no homozygotes.

Submissions (2):

Labcorp Genetics (formerly Invitae), Labcorp
Classification: Benign. Last evaluated: 2019-12-31. Review status: criteria provided, single submitter. Criteria: Invitae Variant Classification Sherloc (09022015). Collection method: clinical testing. Allele origin: germline.

PreventionGenetics, part of Exact Sciences
Classification: Likely benign for ITGB6-related condition. Last evaluated: 2019-03-22. Review status: no assertion criteria provided. Collection method: clinical testing. Allele origin: germline. Not counted in ClinVar's aggregate classification.
Comment: This variant is classified as likely benign based on ACMG/AMP sequence variant interpretation guidelines (Richards et al. 2015 PMID: 25741868, with internal and published modifications).

NM_000888.5(ITGB6):c.156A>G (p.Pro52=)

Gene: ITGB6 (integrin subunit beta 6; minus strand). Cytogenetic location: 2q24.2.
Variant type: single nucleotide variant.
Coding change: c.156A>G on transcript NM_000888.5 (MANE Select); coding-DNA position 156, A replaced by G.
Protein change: p.Pro52=; no amino-acid change (proline 52 retained).
Molecular consequence: synonymous variant. On other transcripts: missense variant (1), 5 prime UTR variant (1), intron variant (1).
Genome position (GRCh38, 1-based): chr2:160,196,406, T>C on the plus strand (A>G on the coding strand, the complement: ITGB6 is on the minus strand). VCF-style: chr2-160196406-T-C. GRCh37 (hg19) VCF-style: chr2-161052917-T-C.
Other names: c.156A>G, p.Pro52= (NM_001282353.2, NM_001282355.2); c.30A>G, p.Pro10= (NM_001282388.2); c.110A>G, p.His37Arg (NM_001282389.2); c.-86A>G (NM_001282390.2); c.62-791A>G (NM_001282354.2); c.110A>G (NM_001282389.1); short protein forms H37R.
Identifiers: ClinVar variation 778262 (VCV000778262.6), dbSNP rs202016962, ClinGen allele CA1929589.